The following is an entry in ClinVar:

ClinVar aggregate classification (germline): Uncertain significance (1 of 4 stars; one submission).

gnomAD v4.1: 10 of 1,524,212 alleles (0.00066%); highest among the groups gnomAD compares: South Asian, 0.013%; no homozygotes.

Submission:

Labcorp Genetics (formerly Invitae), Labcorp
Classification: Uncertain significance. Last evaluated: 2025-09-20. Review status: criteria provided, single submitter. Criteria: Invitae Variant Classification Sherloc (09022015). Collection method: clinical testing. Allele origin: germline.
Comment: This sequence change falls in intron 22 of the TNNI3K gene. It does not directly change the encoded amino acid sequence of the TNNI3K protein. This variant is present in population databases (rs756149659, gnomAD 0.003%). This variant has not been reported in the literature in individuals affected with TNNI3K-related conditions. Algorithms developed to predict the effect of sequence changes on RNA splicing suggest that this variant may disrupt the consensus splice site. In summary, the available evidence is currently insufficient to determine the role of this variant in disease. Therefore, it has been classified as a Variant of Uncertain Significance.

NM_015978.3(TNNI3K):c.2182-9T>A

Genes: FPGT-TNNI3K (FPGT-TNNI3K readthrough; plus strand), LRRC53 (leucine rich repeat containing 53; minus strand), TNNI3K (TNNI3 interacting kinase; plus strand). Cytogenetic location: 1p31.1.
Variant type: single nucleotide variant.
Coding change: c.2182-9T>A on transcript NM_015978.3 (MANE Select); 9 bases into the intron before coding-DNA position 2182, T replaced by A.
Molecular consequence: intron variant.
Genome position (GRCh38, 1-based): chr1:74,492,088, T>A. VCF-style: chr1-74492088-T-A. GRCh37 (hg19) VCF-style: chr1-74957772-T-A.
Other names: c.2485-9T>A (NM_001112808.3); c.-8-11120A>T (NM_001364666.2); c.-26-8713A>T (NM_001382280.1).
Identifiers: ClinVar variation 4754236 (VCV004754236.1).